The following is an entry in ClinVar:

NM_001005361.3(DNM2):c.235+3A>G

Gene: DNM2 (dynamin 2; plus strand). Cytogenetic location: 19p13.2.
Variant type: single nucleotide variant.
Coding change: c.235+3A>G on transcript NM_001005361.3 (MANE Select); 3 bases into the intron after coding-DNA position 235, A replaced by G.
Molecular consequence: intron variant.
Genome position (GRCh38, 1-based): chr19:10,759,814, A>G. VCF-style: chr19-10759814-A-G. GRCh37 (hg19) VCF-style: chr19-10870490-A-G.
Other names: c.235+3A>G (NM_001005360.3, NM_001190716.2, NM_004945.4 and 1 more transcripts).
Identifiers: ClinVar variation 3655135 (VCV003655135.2).
Genomic context (GRCh38, chr19:10,759,814, plus strand): 5'-GGTTCAGGAATCGTCACCCGGCGGCCTCTCATTCTGCAGCTCATCTTCTCAAAAACAGGT[A>G]AAATGGGGCGGCCTGAGGTTCAGCAGGAAGTGGATGTGGATGTGTGGTTGCCAGGAGTTG-3'

ClinVar aggregate classification (germline): Uncertain significance (1 of 4 stars; one submission).

Conditions:
Charcot-Marie-Tooth disease dominant intermediate B (CMTDIB). Also called: CHARCOT-MARIE-TOOTH NEUROPATHY, DOMINANT INTERMEDIATE B; Charcot-Marie-Tooth disease dominant intermediate 1; CMT DI1; Charcot-Marie-Tooth disease dominant intermediate I. Identifiers: Orphanet 100044, Orphanet 228179, MedGen C1847902, MONDO:0011674, OMIM 606482.

Submission:

Labcorp Genetics (formerly Invitae), Labcorp
Classification: Uncertain significance for Charcot-Marie-Tooth disease dominant intermediate B. Last evaluated: 2024-05-31. Review status: criteria provided, single submitter. Criteria: Invitae Variant Classification Sherloc (09022015). Collection method: clinical testing. Allele origin: germline.
Comment: This sequence change falls in intron 2 of the DNM2 gene. It does not directly change the encoded amino acid sequence of the DNM2 protein. It affects a nucleotide within the consensus splice site. This variant is not present in population databases (gnomAD no frequency). This variant has not been reported in the literature in individuals affected with DNM2-related conditions. Variants that disrupt the consensus splice site are a relatively common cause of aberrant splicing (PMID: 17576681, 9536098). Algorithms developed to predict the effect of sequence changes on RNA splicing suggest that this variant is not likely to affect RNA splicing. In summary, the available evidence is currently insufficient to determine the role of this variant in disease. Therefore, it has been classified as a Variant of Uncertain Significance.

Literature cited by the submitters: PubMed 17576681; PubMed 9536098.